The following is an entry in ClinVar:

ClinVar aggregate classification (germline): Uncertain significance. Review status: criteria provided, multiple submitters, no conflicts (2 of 4 stars). 2 submissions from 2 submitters: Uncertain significance (2). Last evaluated 2024-07-15.

Conditions:
Hereditary pancreatitis (PCTT). Also called: PRSS1-Related Hereditary Pancreatitis; Hereditary chronic pancreatitis. Identifiers: Orphanet 676, MedGen C0238339, MONDO:0008185, OMIM 167800.

gnomAD v4.1: 3 of 1,614,206 alleles (0.00019%); highest among the groups gnomAD compares: Non-Finnish European, 0.00025%; no homozygotes.

Submissions (2):

Ambry Genetics
Classification: Uncertain significance for Hereditary pancreatitis. Last evaluated: 2024-07-15. Review status: criteria provided, single submitter. Criteria: Ambry Variant Classification Scheme 2023. Collection method: clinical testing. Allele origin: germline.
Comment: The p.V251L variant (also known as c.751G>C), located in coding exon 7 of the CPA1 gene, results from a G to C substitution at nucleotide position 751. The valine at codon 251 is replaced by leucine, an amino acid with highly similar properties. This amino acid position is conserved. In addition, the in silico prediction for this alteration is inconclusive. Based on the available evidence, the clinical significance of this variant remains unclear.

Labcorp Genetics (formerly Invitae), Labcorp
Classification: Uncertain significance. Last evaluated: 2022-08-21. Review status: criteria provided, single submitter. Criteria: Invitae Variant Classification Sherloc (09022015). Collection method: clinical testing. Allele origin: germline.
Comment: In summary, the available evidence is currently insufficient to determine the role of this variant in disease. Therefore, it has been classified as a Variant of Uncertain Significance. Algorithms developed to predict the effect of missense changes on protein structure and function are either unavailable or do not agree on the potential impact of this missense change (SIFT: "Tolerated"; PolyPhen-2: "Possibly Damaging"; Align-GVGD: "Class C0"). ClinVar contains an entry for this variant (Variation ID: 1354216). This variant has not been reported in the literature in individuals affected with CPA1-related conditions. This variant is present in population databases (rs782158803, gnomAD 0.0009%). This sequence change replaces valine, which is neutral and non-polar, with leucine, which is neutral and non-polar, at codon 251 of the CPA1 protein (p.Val251Leu).

NM_001868.4(CPA1):c.751G>C (p.Val251Leu)

Gene: CPA1 (carboxypeptidase A1; plus strand). Cytogenetic location: 7q32.2.
Variant type: single nucleotide variant.
Coding change: c.751G>C on transcript NM_001868.4 (MANE Select); coding-DNA position 751, G replaced by C.
Protein change: p.Val251Leu; replaces valine 251 with leucine.
Molecular consequence: missense variant.
Genome position (GRCh38, 1-based): chr7:130,384,590, G>C. VCF-style: chr7-130384590-G-C. GRCh37 (hg19) VCF-style: chr7-130024431-G-C.
Other names: c.751G>C (NM_001868.2); short protein forms V251L.
Identifiers: ClinVar variation 1354216 (VCV001354216.10), dbSNP rs782158803, ClinGen allele CA4484927.